The following is an entry in ClinVar:

ClinVar aggregate classification (germline): Uncertain significance (1 of 4 stars; one submission).

Conditions:
Holoprosencephaly 11 (HPE11). Identifiers: Orphanet 2162, MedGen C3280215, MONDO:0013642, OMIM 614226.

Allele frequency attached by ClinVar (database versions not stated): gnomAD exomes below 0.00001.
gnomAD v4.1: 3 of 1,614,096 alleles (0.00019%); highest among the groups gnomAD compares: Non-Finnish European, 0.00025%; no homozygotes.

Submission:

Labcorp Genetics (formerly Invitae), Labcorp
Classification: Uncertain significance for Holoprosencephaly 11. Last evaluated: 2022-06-16. Review status: criteria provided, single submitter. Criteria: Invitae Variant Classification Sherloc (09022015). Collection method: clinical testing. Allele origin: germline.
Comment: In summary, the available evidence is currently insufficient to determine the role of this variant in disease. Therefore, it has been classified as a Variant of Uncertain Significance. Algorithms developed to predict the effect of missense changes on protein structure and function are either unavailable or do not agree on the potential impact of this missense change (SIFT: "Deleterious"; PolyPhen-2: "Benign"; Align-GVGD: "Class C65"). This variant has not been reported in the literature in individuals affected with CDON-related conditions. This variant is not present in population databases (gnomAD no frequency). This sequence change replaces leucine, which is neutral and non-polar, with proline, which is neutral and non-polar, at codon 318 of the CDON protein (p.Leu318Pro).

NM_001378964.1(CDON):c.953T>C (p.Leu318Pro)

Gene: CDON (cell adhesion associated, oncogene regulated; minus strand). Cytogenetic location: 11q24.2.
Variant type: single nucleotide variant.
Coding change: c.953T>C on transcript NM_001378964.1 (MANE Select); coding-DNA position 953, T replaced by C.
Protein change: p.Leu318Pro; replaces leucine 318 with proline.
Molecular consequence: missense variant.
Genome position (GRCh38, 1-based): chr11:126,015,486, A>G on the plus strand (T>C on the coding strand, the complement: CDON is on the minus strand). VCF-style: chr11-126015486-A-G. GRCh37 (hg19) VCF-style: chr11-125885381-A-G.
Other names: c.953T>C, p.Leu318Pro (NM_001243597.3, NM_016952.6); short protein forms L318P.
Identifiers: ClinVar variation 2007166 (VCV002007166.4), dbSNP rs2497221065, ClinGen allele CA383210472.
Genomic context (GRCh38, chr11:126,015,486, plus strand): 5'-TTCCCATGAACGTCGCAGGTAAAGTGTACTGTGGCACCCAGAGACACTATCTGATCCTGT[A>G]GTCCTTTAGAAATGGAAGCATGTTCTGAAAATAAAACACACAAATTAAACTCTAGCCCTC-3'
Protein context (NP_001365893.1, residues 308-328): VLEHASISKG[Leu318Pro]QDQIVSLGAT